The following is an entry in ClinVar:

ClinVar aggregate classification (germline): Pathogenic/Likely pathogenic. Review status: criteria provided, multiple submitters, no conflicts (2 of 4 stars). 2 submissions from 2 submitters: Pathogenic (1); Likely pathogenic (1). Last evaluated 2024-04-16.

Conditions:
Hereditary spastic paraplegia 15 (SPG15). Also called: SPASTIC PARAPLEGIA AND RETINAL DEGENERATION; SPASTIC PARAPLEGIA 15, AUTOSOMAL RECESSIVE; KJELLIN SYNDROME. Identifiers: Orphanet 100996, MedGen C1849128, MONDO:0010044, OMIM 270700.

Submissions (2):

Myriad Genetics, Inc.
Classification: Pathogenic for Hereditary spastic paraplegia 15. Last evaluated: 2024-04-16. Review status: criteria provided, single submitter. Criteria: Myriad Autosomal Dominant, Autosomal Recessive and X-Linked Classification Criteria (2023). Collection method: clinical testing. Allele origin: unknown.
Comment: NM_015346.3(ZFYVE26):c.1034delT(L345Cfs*2) is expected to be pathogenic in the context of spastic paraplegia type 15. This variant is predicted to lead to an abnormal or absent protein product due to the creation of a premature termination codon in ZFYVE26, a gene where loss-of-function variants are known to be pathogenic. Please note: this variant was assessed in the context of healthy population screening.

Fulgent Genetics
Classification: Likely pathogenic for Hereditary spastic paraplegia 15. Last evaluated: 2024-02-08. Review status: criteria provided, single submitter. Criteria: ACMG Guidelines, 2015. Collection method: clinical testing. Allele origin: germline.

NM_015346.4(ZFYVE26):c.1034del (p.Leu345fs)

Gene: ZFYVE26 (zinc finger FYVE-type containing 26; minus strand). Cytogenetic location: 14q24.1.
Variant type: Deletion.
Coding change: c.1034del on transcript NM_015346.4 (MANE Select); coding-DNA position 1034, one base deleted (T; older notation c.1034delT).
Protein change: p.Leu345fs; shifts the reading frame from leucine 345.
Molecular consequence: frameshift variant.
Genome position (GRCh38, 1-based): chr14:67,805,602, A deleted on the plus strand (T on the coding strand, the reverse complement: ZFYVE26 is on the minus strand); the first of 2 consecutive A bases (chr14:67,805,602-67,805,603); deleting either gives the same sequence. VCF-style (leftmost placement, unchanged base first): chr14-67805601-CA-C. GRCh37 (hg19) VCF-style: chr14-68272318-CA-C.
Other names: short protein forms L345fs.
Identifiers: ClinVar variation 3576678 (VCV003576678.2).